The following is an entry in ClinVar:

NM_053025.4(MYLK):c.3696G>A (p.Pro1232=)

Gene: MYLK (myosin light chain kinase; minus strand). Cytogenetic location: 3q21.1.
Variant type: single nucleotide variant.
Coding change: c.3696G>A on transcript NM_053025.4 (MANE Select); coding-DNA position 3696, G replaced by A.
Protein change: p.Pro1232=; no amino-acid change (proline 1232 retained).
Molecular consequence: synonymous variant.
Genome position (GRCh38, 1-based): chr3:123,667,144, C>T on the plus strand (G>A on the coding strand, the complement: MYLK is on the minus strand). VCF-style: chr3-123667144-C-T. GRCh37 (hg19) VCF-style: chr3-123385991-C-T.
Other names: c.3168G>A, p.Pro1056= (NM_001321309.2); c.3489G>A, p.Pro1163= (NM_053026.4, NM_053028.4); c.3696G>A, p.Pro1232= (NM_053027.4).
Identifiers: ClinVar variation 507379 (VCV000507379.13), dbSNP rs769086535, ClinGen allele CA070053.

ClinVar aggregate classification (germline): Likely benign. Review status: criteria provided, multiple submitters, no conflicts (2 of 4 stars). 4 submissions from 4 submitters: Likely benign (4). Last evaluated 2024-01-16.

Conditions:
Aortic aneurysm, familial thoracic 7 (AAT7). Also called: AORTIC DISSECTION, FAMILIAL, WITH OR WITHOUT AORTIC ANEURYSM. Identifiers: MedGen C3151077, MONDO:0013418, OMIM 613780.
Familial thoracic aortic aneurysm and aortic dissection (TAAD). Also called: Thoracic aortic aneurysms and dissections. Identifiers: Orphanet 91387, MedGen C4707243, MONDO:0019625.

Allele frequency attached by ClinVar (database versions not stated): ExAC 0.00001; gnomAD 0.00001 and 0.00008; gnomAD exomes 0.00001 and 0.00002; TOPMed 0.00007.
gnomAD v4.1: 28 of 1,613,958 alleles (0.0017%); highest among the groups gnomAD compares: East Asian, 0.0045%; no homozygotes.

Submissions (4):

Ambry Genetics
Classification: Likely benign for Familial thoracic aortic aneurysm and aortic dissection. Last evaluated: 2024-01-16. Review status: criteria provided, single submitter. Criteria: Ambry Variant Classification Scheme 2023. Collection method: clinical testing. Allele origin: germline.

Women's Health and Genetics/Laboratory Corporation of America, LabCorp
Classification: Likely benign. Last evaluated: 2023-11-06. Review status: criteria provided, single submitter. Criteria: LabCorp Variant Classification Summary - May 2015. Collection method: clinical testing. Allele origin: germline.

Labcorp Genetics (formerly Invitae), Labcorp
Classification: Likely benign for Aortic aneurysm, familial thoracic 7. Last evaluated: 2023-07-28. Review status: criteria provided, single submitter. Criteria: Invitae Variant Classification Sherloc (09022015). Collection method: clinical testing. Allele origin: germline.

GeneDx
Classification: Likely benign. Last evaluated: 2017-02-13. Review status: criteria provided, single submitter. Criteria: GeneDx Variant Classification (06012015). Collection method: clinical testing. Allele origin: germline. Affected: yes.
Comment: This variant is considered likely benign or benign based on one or more of the following criteria: it is a conservative change, it occurs at a poorly conserved position in the protein, it is predicted to be benign by multiple in silico algorithms, and/or has population frequency not consistent with disease.